The following is an entry in ClinVar:

ClinVar aggregate classification (germline): Pathogenic. Review status: criteria provided, multiple submitters, no conflicts (2 of 4 stars). 2 submissions from 2 submitters: Pathogenic (2). Last evaluated 2026-01-20.

Conditions:
Autosomal recessive spinocerebellar ataxia 10. Identifiers: Orphanet 284289, MedGen C3150998, MONDO:0013392, OMIM 613728.

Submissions (2):

Myriad Genetics, Inc.
Classification: Pathogenic for Autosomal recessive spinocerebellar ataxia 10. Last evaluated: 2026-01-20. Review status: criteria provided, single submitter. Criteria: Myriad Autosomal Dominant, Autosomal Recessive and X-Linked Classification Criteria (2023). Collection method: clinical testing. Allele origin: unknown.
Comment: NM_018075.3(ANO10):c.542delA(K181Sfs*12) is a frameshift variant classified as pathogenic in the context of spinocerebellar ataxia, ANO10-related. K181Sfs*12 has not been observed in cases with relevant disease. Relevant functional assessments of this variant are not available in the literature. K181Sfs*12 has been observed in referenced population frequency databases. Please note: this variant was assessed in the context of healthy population screening.

Labcorp Genetics (formerly Invitae), Labcorp
Classification: Pathogenic. Last evaluated: 2023-12-22. Review status: criteria provided, single submitter. Criteria: Invitae Variant Classification Sherloc (09022015). Collection method: clinical testing. Allele origin: germline.
Comment: This sequence change creates a premature translational stop signal (p.Lys181Serfs*12) in the ANO10 gene. It is expected to result in an absent or disrupted protein product. Loss-of-function variants in ANO10 are known to be pathogenic (PMID: 25089919). This variant is present in population databases (no rsID available, gnomAD 0.007%). This variant has not been reported in the literature in individuals affected with ANO10-related conditions. Algorithms developed to predict the effect of sequence changes on RNA splicing suggest that this variant may disrupt the consensus splice site. For these reasons, this variant has been classified as Pathogenic.

Literature cited by the submitters: PubMed 25089919 (cited by Labcorp Genetics (formerly Invitae), Labcorp).

NM_018075.5(ANO10):c.542del (p.Lys181fs)

Gene: ANO10 (anoctamin 10; minus strand). Cytogenetic location: 3p22.1.
Variant type: Deletion.
Coding change: c.542del on transcript NM_018075.5 (MANE Select); coding-DNA position 542, one base deleted (A; older notation c.542delA).
Protein change: p.Lys181fs; shifts the reading frame from lysine 181.
Molecular consequence: frameshift variant.
Genome position (GRCh38, 1-based): chr3:43,580,403, T deleted on the plus strand (A on the coding strand, the reverse complement: ANO10 is on the minus strand); the first of 2 consecutive T bases (chr3:43,580,403-43,580,404); deleting either gives the same sequence. VCF-style (leftmost placement, unchanged base first): chr3-43580402-CT-C. GRCh37 (hg19) VCF-style: chr3-43621894-CT-C.
Other names: c.344del, p.Lys115fs (NM_001346469.2, NM_001204832.3, NM_001346466.2); c.542del, p.Lys181fs (NM_001204831.3, NM_001204834.3, NM_001346463.2 and 4 more transcripts); c.209del, p.Lys70fs (NM_001204833.3); short protein forms K115fs, K70fs, K181fs.
Identifiers: ClinVar variation 2993617 (VCV002993617.4), dbSNP rs1482353724, ClinGen allele CA542620612.